The following is an entry in ClinVar:

NM_012388.4(BLOC1S6):c.82+10A>G

Gene: BLOC1S6 (biogenesis of lysosomal organelles complex 1 subunit 6; plus strand). Cytogenetic location: 15q21.1.
Variant type: single nucleotide variant.
Coding change: c.82+10A>G on transcript NM_012388.4 (MANE Select); 10 bases into the intron after coding-DNA position 82, A replaced by G.
Molecular consequence: intron variant.
Genome position (GRCh38, 1-based): chr15:45,587,535, A>G. VCF-style: chr15-45587535-A-G. GRCh37 (hg19) VCF-style: chr15-45879733-A-G.
Other names: p.?.
Identifiers: ClinVar variation 316224 (VCV000316224.19), dbSNP rs370370639, ClinGen allele CA7544231.

ClinVar aggregate classification (germline): Benign/Likely benign. Review status: criteria provided, multiple submitters, no conflicts (2 of 4 stars). 6 submissions from 6 submitters: Benign (2); Likely benign (2). 2 of the submissions do not count toward it. Last evaluated 2026-01-31.

Conditions:
BLOC1S6-related disorder. Also called: BLOC1S6-related condition.
Hermansky-Pudlak syndrome 9 (HPS9). Identifiers: Orphanet 280663, Orphanet 79430, MedGen C3280026, MONDO:0013606, OMIM 614171.

Allele frequency attached by ClinVar (database versions not stated): gnomAD exomes 0.00022 and 0.00059; ExAC 0.00146; gnomAD 0.00220 and 0.00235; TOPMed 0.00265; 1000 Genomes Project 0.00319; ESP Exome Variant Server 0.00319; 1000 Genomes Project 30x 0.00390.
gnomAD v4.1: 663 of 1,565,910 alleles (0.042%); highest among the groups gnomAD compares: African/African-American, 0.79%; 1 homozygote.

Submissions (6):

Labcorp Genetics (formerly Invitae), Labcorp
Classification: Benign for Hermansky-Pudlak syndrome 9. Last evaluated: 2026-01-31. Review status: criteria provided, single submitter. Criteria: Invitae Variant Classification Sherloc (09022015). Collection method: clinical testing. Allele origin: germline.

Mayo Clinic Laboratories, Mayo Clinic
Classification: Benign. Last evaluated: 2025-03-04. Review status: criteria provided, single submitter. Criteria: ACMG Guidelines, 2015. Collection method: clinical testing. Allele origin: germline. Observed: 1 variant allele.
Comment: BA1, BP4, BP7

Blueprint Genetics
Classification: Likely benign. Last evaluated: 2024-08-30. Review status: criteria provided, single submitter. Criteria: ACMG Guidelines, 2015. Collection method: clinical testing. Allele origin: germline.

Genome Diagnostics Laboratory, University Medical Center Utrecht
Classification: Likely benign for Hermansky-Pudlak syndrome 9. Last evaluated: 2017-10-30. Review status: criteria provided, single submitter. Criteria: ACGS Guidelines, 2013. Collection method: clinical testing. Allele origin: germline. Affected: yes. Study: VKGL Data-share Consensus.

PreventionGenetics, part of Exact Sciences
Classification: Benign for BLOC1S6-related condition. Last evaluated: 2022-07-11. Review status: no assertion criteria provided. Collection method: clinical testing. Allele origin: germline. Not counted in ClinVar's aggregate classification.
Comment: This variant is classified as benign based on ACMG/AMP sequence variant interpretation guidelines (Richards et al. 2015 PMID: 25741868, with internal and published modifications).

Clinical Genetics, Academic Medical Center
Classification: Benign. Review status: no assertion criteria provided. Collection method: clinical testing. Allele origin: germline. Affected: yes. Study: VKGL Data-share Consensus. Not counted in ClinVar's aggregate classification.